The following is an entry in ClinVar:

ClinVar aggregate classification (germline): Benign/Likely benign. Review status: criteria provided, multiple submitters, no conflicts (2 of 4 stars). 6 submissions from 6 submitters: Benign (1); Likely benign (5). Last evaluated 2025-10-12.

Conditions:
Hereditary nonpolyposis colorectal neoplasms. Identifiers: MedGen C0009405, MeSH D003123.
Hereditary cancer-predisposing syndrome. Also called: Hereditary neoplastic syndrome; Neoplastic Syndromes, Hereditary; Tumor predisposition; Hereditary Cancer Syndrome. Identifiers: Orphanet 140162, MedGen C0027672, MeSH D009386, MONDO:0015356.
Lynch syndrome. Identifiers: Orphanet 144, MedGen C4552100, MONDO:0005835. Disease mechanism: loss of function.
Lynch syndrome 5 (LYNCH5). Also called: Hereditary non-polyposis colorectal cancer, type 5; Colorectal cancer, hereditary nonpolyposis, type 5. Identifiers: Orphanet 144, MedGen C1833477, MONDO:0013710, OMIM 614350. Disease mechanism: loss of function.

Allele frequency attached by ClinVar (database versions not stated): gnomAD exomes below 0.00001; TOPMed below 0.00001.
gnomAD v4.1: 53 of 1,613,968 alleles (0.0033%); highest among the groups gnomAD compares: Non-Finnish European, 0.0043%; no homozygotes.

Submissions (6):

Labcorp Genetics (formerly Invitae), Labcorp
Classification: Likely benign for Hereditary nonpolyposis colorectal neoplasms. Last evaluated: 2025-10-12. Review status: criteria provided, single submitter. Criteria: Invitae Variant Classification Sherloc (09022015). Collection method: clinical testing. Allele origin: germline.

Myriad Genetics, Inc.
Classification: Benign for Lynch syndrome 5. Last evaluated: 2024-12-26. Review status: criteria provided, single submitter. Criteria: Myriad Autosomal Dominant, Autosomal Recessive and X-Linked Classification Criteria (2023). Collection method: clinical testing. Allele origin: unknown.
Comment: This variant is considered benign. This variant is a silent/synonymous amino acid change and it is not expected to impact splicing.

All of Us Research Program, National Institutes of Health
Classification: Likely benign for Lynch syndrome. Last evaluated: 2023-06-08. Review status: criteria provided, single submitter. Criteria: ACMG Guidelines, 2015. Collection method: clinical testing. Allele origin: germline. Inheritance: Autosomal dominant inheritance. Observed: 2 variant alleles, 2 heterozygotes.
Comment: This study involves interpretation of variants in research participants for the purpose of population health screening. Participant phenotype was not available at the time of variant classification. Additional details can be found in publication PMID: 35346344, PMCID: PMC8962531

Color Diagnostics, LLC DBA Color Health
Classification: Likely benign for Hereditary cancer-predisposing syndrome. Last evaluated: 2018-11-26. Review status: criteria provided, single submitter. Criteria: ACMG Guidelines, 2015. Collection method: clinical testing. Allele origin: germline.

GeneDx
Classification: Likely benign. Last evaluated: 2018-04-13. Review status: criteria provided, single submitter. Criteria: GeneDx Variant Classification Process June 2021. Collection method: clinical testing. Allele origin: germline. Affected: yes.

Ambry Genetics
Classification: Likely benign for Hereditary cancer-predisposing syndrome. Last evaluated: 2017-02-21. Review status: criteria provided, single submitter. Criteria: Ambry Variant Classification Scheme 2023. Collection method: clinical testing. Allele origin: germline.

NM_000179.3(MSH6):c.1444C>A (p.Arg482=)

Gene: MSH6 (mutS homolog 6; plus strand). Cytogenetic location: 2p16.3.
Variant type: single nucleotide variant.
Coding change: c.1444C>A on transcript NM_000179.3 (MANE Select); coding-DNA position 1444, C replaced by A.
Protein change: p.Arg482=; no amino-acid change (arginine 482 retained).
Molecular consequence: synonymous variant.
Genome position (GRCh38, 1-based): chr2:47,799,427, C>A. VCF-style: chr2-47799427-C-A. GRCh37 (hg19) VCF-style: chr2-48026566-C-A.
Other names: c.1054C>A, p.Arg352= (NM_001281492.2); c.538C>A, p.Arg180= (NM_001281493.2, NM_001281494.2).
Identifiers: ClinVar variation 184393 (VCV000184393.22), dbSNP rs63750909, ClinGen allele CA008608.